The following is an entry in ClinVar:

NM_017617.5(NOTCH1):c.1205C>T (p.Ser402Leu)

Gene: NOTCH1 (notch receptor 1; minus strand). Cytogenetic location: 9q34.3.
Variant type: single nucleotide variant.
Coding change: c.1205C>T on transcript NM_017617.5 (MANE Select); coding-DNA position 1205, C replaced by T.
Protein change: p.Ser402Leu; replaces serine 402 with leucine.
Molecular consequence: missense variant.
Genome position (GRCh38, 1-based): chr9:136,518,187, G>A on the plus strand (C>T on the coding strand, the complement: NOTCH1 is on the minus strand). VCF-style: chr9-136518187-G-A. GRCh37 (hg19) VCF-style: chr9-139412639-G-A.
Other names: c.1205C>T, p.Ser402Leu (LRG_1122t1); short protein forms S402L.
Identifiers: ClinVar variation 451861 (VCV000451861.14), dbSNP rs1037236860, ClinGen allele CA201587612.

ClinVar aggregate classification (germline): Conflicting classifications of pathogenicity. Review status: criteria provided, conflicting classifications (1 of 4 stars). 5 submissions from 4 submitters: Uncertain significance (4); Benign (1). Last evaluated 2025-12-01.

Conditions:
Adams-Oliver syndrome 5 (AOS5). Identifiers: Orphanet 974, MedGen C4014970, MONDO:0014459, OMIM 616028.
Familial thoracic aortic aneurysm and aortic dissection (TAAD). Also called: Thoracic aortic aneurysms and dissections. Identifiers: Orphanet 91387, MedGen C4707243, MONDO:0019625.
Aortic valve disease 1 (AOVD1). Identifiers: MedGen C3887892, MONDO:0024523, OMIM 109730.

Allele frequency attached by ClinVar (database versions not stated): gnomAD 0.00001; gnomAD exomes 0.00001; TOPMed 0.00003.
gnomAD v4.1: 12 of 1,603,232 alleles (0.00075%); highest among the groups gnomAD compares: African/African-American, 0.0027%; no homozygotes.

Submissions (5):

Labcorp Genetics (formerly Invitae), Labcorp
Classification: Benign for Adams-Oliver syndrome 5. Last evaluated: 2025-12-01. Review status: criteria provided, single submitter. Criteria: Invitae Variant Classification Sherloc (09022015). Collection method: clinical testing. Allele origin: germline.

GeneDx
Classification: Uncertain significance. Last evaluated: 2024-11-19. Review status: criteria provided, single submitter. Criteria: GeneDx Variant Classification Process June 2021. Collection method: clinical testing. Allele origin: germline. Affected: yes.
Comment: Has not been previously published as pathogenic or benign to our knowledge; Not observed at significant frequency in large population cohorts (gnomAD); In silico analysis indicates that this missense variant does not alter protein structure/function

Centre of Medical Genetics, University of Antwerp
Classification: Uncertain significance for Familial thoracic aortic aneurysm and aortic dissection. Last evaluated: 2024-09-06. Review status: criteria provided, single submitter. Criteria: ACMG Guidelines, 2015. Collection method: clinical testing. Allele origin: germline. Affected: yes.

Genome-Nilou Lab
Classification: Uncertain significance for Adams-Oliver syndrome 5. Last evaluated: 2022-03-15. Review status: criteria provided, single submitter. Criteria: ACMG Guidelines, 2015. Collection method: clinical testing. Allele origin: germline. Affected: no.

Genome-Nilou Lab
Classification: Uncertain significance for Aortic valve disease 1. Last evaluated: 2022-03-15. Review status: criteria provided, single submitter. Criteria: ACMG Guidelines, 2015. Collection method: clinical testing. Allele origin: germline. Affected: no.